The following is an entry in ClinVar:

ClinVar aggregate classification (germline): Likely benign. Review status: criteria provided, single submitter (1 of 4 stars). 2 submissions from 2 submitters: Likely benign (1). 1 of the submissions does not count toward it. Last evaluated 2024-01-01.

Conditions:
FMN2-related disorder. Also called: FMN2-related condition.

Submissions (2):

CeGaT Center for Human Genetics Tuebingen
Classification: Likely benign. Last evaluated: 2024-01-01. Review status: criteria provided, single submitter. Criteria: CeGaT Center For Human Genetics Tuebingen Variant Classification Criteria Version 2. Collection method: clinical testing. Allele origin: germline. Affected: yes. Observed: 1 variant allele.
Comment: FMN2: BP4, BP7

PreventionGenetics, part of Exact Sciences
Classification: Likely benign for FMN2-related condition. Last evaluated: 2020-08-06. Review status: no assertion criteria provided. Collection method: clinical testing. Allele origin: germline. Not counted in ClinVar's aggregate classification.
Comment: This variant is classified as likely benign based on ACMG/AMP sequence variant interpretation guidelines (Richards et al. 2015 PMID: 25741868, with internal and published modifications).

NM_020066.5(FMN2):c.3468A>T (p.Pro1156=)

Gene: FMN2 (formin 2; plus strand). Cytogenetic location: 1q43.
Variant type: single nucleotide variant.
Coding change: c.3468A>T on transcript NM_020066.5 (MANE Select); coding-DNA position 3468, A replaced by T.
Protein change: p.Pro1156=; no amino-acid change (proline 1156 retained).
Molecular consequence: synonymous variant. On other transcripts: intron variant (1).
Genome position (GRCh38, 1-based): chr1:240,208,280, A>T. VCF-style: chr1-240208280-A-T. GRCh37 (hg19) VCF-style: chr1-240371580-A-T.
Other names: c.3480A>T, p.Pro1160= (NM_001305424.2); c.3468A>T (NM_020066.4); c.1986+20018A>T (NM_001348094.2).
Identifiers: ClinVar variation 3025338 (VCV003025338.23), dbSNP rs773418922, ClinGen allele CA1477196.